The following is an entry in ClinVar:

ClinVar aggregate classification (germline): Uncertain significance. Review status: criteria provided, multiple submitters, no conflicts (2 of 4 stars). 2 submissions from 2 submitters: Uncertain significance (2). Last evaluated 2025-12-10.

Conditions:
Welander distal myopathy (WDM). Also called: Welander distal myopathy, Swedish type; Distal myopathy, Swedish type; Gower's muscular dystrophy; MUSCULAR DYSTROPHY, DISTAL, LATE-ONSET, AUTOSOMAL DOMINANT. Identifiers: Orphanet 603, MedGen C0221054, MONDO:0011466, OMIM 604454.

Allele frequency attached by ClinVar (database versions not stated): TOPMed 0.00003; gnomAD 0.00001; ExAC 0.00005; gnomAD exomes 0.00006.
gnomAD v4.1: 26 of 1,614,064 alleles (0.0016%); highest among the groups gnomAD compares: Admixed American, 0.022%; no homozygotes.

Submissions (2):

Labcorp Genetics (formerly Invitae), Labcorp
Classification: Uncertain significance for Welander distal myopathy. Last evaluated: 2025-12-10. Review status: criteria provided, single submitter. Criteria: Invitae Variant Classification Sherloc (09022015). Collection method: clinical testing. Allele origin: germline.
Comment: This sequence change replaces methionine, which is neutral and non-polar, with valine, which is neutral and non-polar, at codon 370 of the TIA1 protein (p.Met370Val). This variant is present in population databases (rs752969561, gnomAD 0.03%). This variant has not been reported in the literature in individuals affected with TIA1-related conditions. ClinVar contains an entry for this variant (Variation ID: 834552). An algorithm developed to predict the effect of missense changes on protein structure and function (PolyPhen-2) suggests that this variant is likely to be tolerated. In summary, the available evidence is currently insufficient to determine the role of this variant in disease. Therefore, it has been classified as a Variant of Uncertain Significance.

Revvity Omics, Revvity
Classification: Uncertain significance. Last evaluated: 2023-11-28. Review status: criteria provided, single submitter. Criteria: ACMG Guidelines, 2015. Collection method: clinical testing. Allele origin: germline.

NM_022173.4(TIA1):c.1108A>G (p.Met370Val)

Gene: TIA1 (TIA1 cytotoxic granule associated RNA binding protein; minus strand). Cytogenetic location: 2p13.3.
Variant type: single nucleotide variant.
Coding change: c.1108A>G on transcript NM_022173.4 (MANE Select); coding-DNA position 1108, A replaced by G.
Protein change: p.Met370Val; replaces methionine 370 with valine.
Molecular consequence: missense variant. On other transcripts: non-coding transcript variant (17).
Genome position (GRCh38, 1-based): chr2:70,212,772, T>C on the plus strand (A>G on the coding strand, the complement: TIA1 is on the minus strand). VCF-style: chr2-70212772-T-C. GRCh37 (hg19) VCF-style: chr2-70439904-T-C.
Other names: c.1105A>G, p.Met369Val (NM_001351508.2); c.1081A>G, p.Met361Val (NM_001351509.2); c.1072A>G, p.Met358Val (NM_001351510.2); c.997A>G, p.Met333Val (NM_001351511.1); c.970A>G, p.Met324Val (NM_001351512.1); c.964A>G, p.Met322Val (NM_001351513.1); c.880A>G, p.Met294Val (NM_001351514.2); c.805A>G, p.Met269Val (NM_001351515.2); and 3 more; short protein forms M322V, M358V, M361V, M369V, M229V, M269V, M324V, M333V.
Identifiers: ClinVar variation 834552 (VCV000834552.10), dbSNP rs752969561, ClinGen allele CA1697397.